The following is an entry in ClinVar:

ClinVar aggregate classification (germline): Pathogenic (0 of 4 stars; one submission).

Conditions:
Autosomal recessive spinocerebellar ataxia 2. Also called: CEREBELLAR GRANULAR CELL HYPOPLASIA AND MENTAL RETARDATION, CONGENITAL; CEREBELLAR HYPOPLASIA, NONPROGRESSIVE NORMAN TYPE; CEREBELLOPARENCHYMAL DISORDER III; CPD III. Identifiers: Orphanet 1170, MedGen C1859298, MONDO:0008943, OMIM 213200.

Allele frequency attached by ClinVar (database versions not stated): TOPMed 0.00005; gnomAD exomes 0.00010; ExAC 0.00014; 1000 Genomes Project 0.00020; 1000 Genomes Project 30x 0.00031.
gnomAD v4.1: 143 of 1,613,728 alleles (0.0089%); highest among the groups gnomAD compares: South Asian, 0.066%; no homozygotes.

Submission:

Lupski Lab, Baylor-Hopkins CMG, Baylor College of Medicine
Classification: Pathogenic for Autosomal recessive spinocerebellar ataxia 2. Review status: no assertion criteria provided. Collection method: research. Allele origin: germline. Inheritance: Autosomal recessive inheritance. Affected: yes.

NM_015160.3(PMPCA):c.554G>A (p.Arg185Gln)

Genes: PMPCA (peptidase, mitochondrial processing subunit alpha; plus strand), LOC126860792 (CDK7 strongly-dependent group 2 enhancer GRCh37_chr9:139310410-139311609; plus strand). Cytogenetic location: 9q34.3.
Variant type: single nucleotide variant.
Coding change: c.554G>A on transcript NM_015160.3 (MANE Select); coding-DNA position 554, G replaced by A.
Protein change: p.Arg185Gln; replaces arginine 185 with glutamine.
Molecular consequence: missense variant.
Genome position (GRCh38, 1-based): chr9:136,416,312, G>A. VCF-style: chr9-136416312-G-A. GRCh37 (hg19) VCF-style: chr9-139310764-G-A.
Other names: c.161G>A, p.Arg54Gln (NM_001282944.2); c.254G>A, p.Arg85Gln (NM_001282946.2); short protein forms R185Q, R54Q, R85Q.
Identifiers: ClinVar variation 375401 (VCV000375401.1), dbSNP rs573267388, ClinGen allele CA5336046.